The following is an entry in ClinVar:

NM_004999.4(MYO6):c.1259G>A (p.Arg420His)

Gene: MYO6 (myosin VI; plus strand). Cytogenetic location: 6q14.1.
Variant type: single nucleotide variant.
Coding change: c.1259G>A on transcript NM_004999.4 (MANE Select); coding-DNA position 1259, G replaced by A.
Protein change: p.Arg420His; replaces arginine 420 with histidine.
Molecular consequence: missense variant. On other transcripts: non-coding transcript variant (1).
Genome position (GRCh38, 1-based): chr6:75,857,132, G>A. VCF-style: chr6-75857132-G-A. GRCh37 (hg19) VCF-style: chr6-76566849-G-A.
Other names: c.1259G>A, p.Arg420His (NM_001300899.2, NM_001368136.1, NM_001368137.1 and 2 more transcripts); c.1244G>A, p.Arg415His (NM_001368138.1); short protein forms R415H, R420H.
Identifiers: ClinVar variation 4536351 (VCV004536351.1).

ClinVar aggregate classification (germline): Uncertain significance (1 of 4 stars; one submission).

gnomAD v4.1: 4 of 1,613,980 alleles (0.00025%); highest among the groups gnomAD compares: Non-Finnish European, 0.00034%; no homozygotes.

Submission:

GeneDx
Classification: Uncertain significance. Last evaluated: 2025-06-06. Review status: criteria provided, single submitter. Criteria: GeneDx Variant Classification Process June 2021. Collection method: clinical testing. Allele origin: germline. Affected: yes.
Comment: Not observed at significant frequency in large population cohorts (gnomAD); In silico analysis supports that this missense variant has a deleterious effect on protein structure/function; Has not been previously published as pathogenic or benign to our knowledge